The following is an entry in ClinVar:

NM_001242896.3(DEPDC5):c.1315C>T (p.Arg439Cys)

Gene: DEPDC5 (DEP domain containing 5, GATOR1 subcomplex subunit; plus strand). Cytogenetic location: 22q12.3.
Variant type: single nucleotide variant.
Coding change: c.1315C>T on transcript NM_001242896.3 (MANE Select); coding-DNA position 1315, C replaced by T.
Protein change: p.Arg439Cys; replaces arginine 439 with cysteine.
Molecular consequence: missense variant. On other transcripts: non-coding transcript variant (5).
Genome position (GRCh38, 1-based): chr22:31,809,638, C>T. VCF-style: chr22-31809638-C-T. GRCh37 (hg19) VCF-style: chr22-32205624-C-T.
Other names: c.1315C>T, p.Arg439Cys (NM_001007188.4, NM_001136029.4, NM_001242897.2 and 7 more transcripts); c.1231C>T, p.Arg411Cys (NM_001369901.1, NM_001369902.1); short protein forms R411C, R439C.
Identifiers: ClinVar variation 1019456 (VCV001019456.6), dbSNP rs777306555, ClinGen allele CA10196325.

ClinVar aggregate classification (germline): Uncertain significance (1 of 4 stars; one submission).

Conditions:
Familial focal epilepsy with variable foci (FPEVF). Identifiers: Orphanet 98820, MedGen C1858477, MONDO:0020310.

Allele frequency attached by ClinVar (database versions not stated): TOPMed below 0.00001; ExAC 0.00001; gnomAD exomes 0.00001.
gnomAD v4.1: 9 of 1,613,912 alleles (0.00056%); highest among the groups gnomAD compares: East Asian, 0.0045%; no homozygotes.

Submission:

Labcorp Genetics (formerly Invitae), Labcorp
Classification: Uncertain significance for Familial focal epilepsy with variable foci. Last evaluated: 2025-11-05. Review status: criteria provided, single submitter. Criteria: Invitae Variant Classification Sherloc (09022015). Collection method: clinical testing. Allele origin: germline.
Comment: This sequence change replaces arginine, which is basic and polar, with cysteine, which is neutral and slightly polar, at codon 439 of the DEPDC5 protein (p.Arg439Cys). This variant is present in population databases (rs777306555, gnomAD 0.01%). This variant has not been reported in the literature in individuals affected with DEPDC5-related conditions. ClinVar contains an entry for this variant (Variation ID: 1019456). Experimental studies and prediction algorithms are not available or were not evaluated, and the functional significance of this variant is currently unknown. In summary, the available evidence is currently insufficient to determine the role of this variant in disease. Therefore, it has been classified as a Variant of Uncertain Significance.